The following is an entry in ClinVar:

ClinVar aggregate classification (germline): Likely benign (1 of 4 stars; one submission).

Conditions:
Leigh syndrome (NULS). Also called: Leigh's necrotizing encephalopathy; Leigh's disease; Leigh Syndrome (mtDNA deletion); Leigh Disease; Subacute necrotizing encephalopathy; Necrotizing encephalopathy infantile subacute of Leigh. Identifiers: Orphanet 506, MedGen C2931891, MONDO:0009723, OMIM 256000.

Submission:

Wong Mito Lab, Molecular and Human Genetics, Baylor College of Medicine
Classification: Likely benign for Leigh syndrome. Last evaluated: 2019-10-17. Review status: criteria provided, single submitter. Criteria: Modified ACMG Guidelines (Unpublished). Collection method: clinical testing. Allele origin: germline.
Comment: The NC_012920.1:m.5316G>A (YP_003024027.1:p.Ala283Thr) variant in MTND2 gene is interpretated to be a Likely Benign variant based on the modified ACMG guidelines (unpublished). This variant meets the following evidence codes: BS1, BP4

NC_012920.1(MT-ND2):m.5316G>A

Gene: MT-ND2 (mitochondrially encoded NADH dehydrogenase 2; plus strand).
Variant type: single nucleotide variant.
Genome position: chrM-5316-G-A.
Identifiers: ClinVar variation 692576 (VCV000692576.1), dbSNP rs1603219895, ClinGen allele CA414779800.